The following is an entry in ClinVar:

NM_000257.4(MYH7):c.4671G>A (p.Lys1557=)

Genes: MHRT (myosin heavy chain associated RNA transcript; plus strand), MYH7 (myosin heavy chain 7; minus strand), LOC126861897 (BRD4-independent group 4 enhancer GRCh37_chr14:23884455-23885654; plus strand). Cytogenetic location: 14q11.2.
Variant type: single nucleotide variant.
Coding change: c.4671G>A on transcript NM_000257.4 (MANE Select); coding-DNA position 4671, G replaced by A.
Protein change: p.Lys1557=; no amino-acid change (lysine 1557 retained).
Molecular consequence: synonymous variant. On other transcripts: non-coding transcript variant (1).
Genome position (GRCh38, 1-based): chr14:23,416,286, C>T on the plus strand (G>A on the coding strand, the complement: MYH7 is on the minus strand). VCF-style: chr14-23416286-C-T. GRCh37 (hg19) VCF-style: chr14-23885495-C-T.
Other names: NM_000257.3(MYH7):c.4671G>A.
Identifiers: ClinVar variation 43031 (VCV000043031.25), dbSNP rs200601164, ClinGen allele CA015216.

ClinVar aggregate classification (germline): Benign. Review status: reviewed by expert panel (3 of 4 stars). 8 submissions from 8 submitters: Benign (1). 7 of the submissions do not count toward it. Last evaluated 2025-11-11.

Conditions:
Cardiovascular phenotype. Identifiers: MedGen CN230736.
Cardiomyopathy (CMYO). Also called: Cardiomyopathies. Identifiers: Orphanet 167848, MedGen C0878544, MONDO:0004994, HP:0001638. Inheritance: Various modes of inheritance.
Hypertrophic cardiomyopathy. Also called: HYPERTROPHIC MYOCARDIOPATHY. Identifiers: Orphanet 217569, MedGen C0007194, MeSH D002312, MONDO:0005045, HP:0001639.

Allele frequency attached by ClinVar (database versions not stated): gnomAD 0.00001 and 0.00005; TOPMed 0.00001; gnomAD exomes 0.00011 and 0.00024; ExAC 0.00028; 1000 Genomes Project 0.00060; 1000 Genomes Project 30x 0.00062.
gnomAD v4.1: 168 of 1,613,124 alleles (0.01%); highest among the groups gnomAD compares: South Asian, 0.18%; 2 homozygotes.

Submissions (8):

ClinGen Cardiomyopathy Variant Curation Expert Panel
Classification: Benign for Hypertrophic cardiomyopathy. Last evaluated: 2025-11-11. Review status: reviewed by expert panel. Criteria: ClinGen CMP ACMG Specifications MYH7 V2.0.0. Collection method: curation. Allele origin: germline. Inheritance: Autosomal dominant inheritance.
Comment: The filtering allele frequency of the c.4671G>A (p.Lys1557=) variant in the MYH7 gene is 0.16% (34/15896) of South Asian chromosomes by the Exome Aggregation Consortium, which is a high enough frequency to be classified as benign based on thresholds defined by the ClinGen Inherited Cardiomyopathy Expert Panel (BA1; PMID:29300372).

Molecular Diagnostic Laboratory for Inherited Cardiovascular Disease, Montreal Heart Institute
Classification: Likely benign. Last evaluated: 2026-03-27. Review status: criteria provided, single submitter. Criteria: ACMG Guidelines, 2015. Collection method: clinical testing. Allele origin: germline. Affected: no. Not counted in ClinVar's aggregate classification.
Comment: BS1,BP7

Labcorp Genetics (formerly Invitae), Labcorp
Classification: Benign for Hypertrophic cardiomyopathy. Last evaluated: 2026-01-26. Review status: criteria provided, single submitter. Criteria: Invitae Variant Classification Sherloc (09022015). Collection method: clinical testing. Allele origin: germline. Not counted in ClinVar's aggregate classification.

Blueprint Genetics
Classification: Likely benign. Last evaluated: 2024-05-06. Review status: criteria provided, single submitter. Criteria: ACMG Guidelines, 2015. Collection method: clinical testing. Allele origin: germline. Not counted in ClinVar's aggregate classification.

All of Us Research Program, National Institutes of Health
Classification: Benign for Cardiomyopathy. Last evaluated: 2024-03-14. Review status: criteria provided, single submitter. Criteria: ACMG Guidelines, 2015. Collection method: clinical testing. Allele origin: germline. Inheritance: Autosomal dominant inheritance. Observed: 5 variant alleles, 5 heterozygotes. Not counted in ClinVar's aggregate classification.
Comment: This study involves interpretation of variants in research participants for the purpose of population health screening. Participant phenotype was not available at the time of variant classification. Additional details can be found in publication PMID: 35346344, PMCID: PMC8962531

Color Diagnostics, LLC DBA Color Health
Classification: Benign for Cardiomyopathy. Last evaluated: 2018-10-16. Review status: criteria provided, single submitter. Criteria: ACMG Guidelines, 2015. Collection method: clinical testing. Allele origin: germline. Not counted in ClinVar's aggregate classification.

Ambry Genetics
Classification: Likely benign for Cardiovascular phenotype. Last evaluated: 2017-06-30. Review status: criteria provided, single submitter. Criteria: Ambry Variant Classification Scheme 2023. Collection method: clinical testing. Allele origin: germline. Not counted in ClinVar's aggregate classification.

Laboratory for Molecular Medicine, Mass General Brigham Personalized Medicine
Classification: Likely benign. Last evaluated: 2011-03-24. Review status: criteria provided, single submitter. Criteria: LMM Criteria. Collection method: clinical testing. Allele origin: germline. Observed: 1 variant allele. Not counted in ClinVar's aggregate classification.
Comment: Lys1557Lys (4671G>A) in exon 34 of MYH7: This variant has not been previously re ported in the literature nor identified by our laboratory. This variant is not e xpected to have clinical significance because it does not alter an amino acid re sidue and is not located near a splice junction.

Literature cited by the submitters: PubMed 29300372 (cited by ClinGen Cardiomyopathy Variant Curation Expert Panel).